The following is an entry in ClinVar:

NM_024817.3(THSD4):c.2680G>A (p.Glu894Lys)

Gene: THSD4 (thrombospondin type 1 domain containing 4; plus strand). Cytogenetic location: 15q23.
Variant type: single nucleotide variant.
Coding change: c.2680G>A on transcript NM_024817.3 (MANE Select); coding-DNA position 2680, G replaced by A.
Protein change: p.Glu894Lys; replaces glutamic acid 894 with lysine.
Molecular consequence: missense variant.
Genome position (GRCh38, 1-based): chr15:71,765,110, G>A. VCF-style: chr15-71765110-G-A. GRCh37 (hg19) VCF-style: chr15-72057449-G-A.
Other names: c.1600G>A, p.Glu534Lys (NM_001286429.2); c.2680G>A, p.Glu894Lys (NM_001394532.1); short protein forms E534K, E894K.
Identifiers: ClinVar variation 3051258 (VCV003051258.2), dbSNP rs376141945, ClinGen allele CA7640001.

ClinVar aggregate classification (germline): Likely benign (0 of 4 stars; one submission).

Conditions:
THSD4-related disorder. Also called: THSD4-related condition.

Allele frequency attached by ClinVar (database versions not stated): gnomAD exomes 0.00007; ExAC 0.00021; ESP Exome Variant Server 0.00083; gnomAD 0.00102.
gnomAD v4.1: 266 of 1,614,232 alleles (0.016%); highest among the groups gnomAD compares: African/African-American, 0.32%; no homozygotes.

Submission:

PreventionGenetics, part of Exact Sciences
Classification: Likely benign for THSD4-related condition. Last evaluated: 2022-12-27. Review status: no assertion criteria provided. Collection method: clinical testing. Allele origin: germline.
Comment: This variant is classified as likely benign based on ACMG/AMP sequence variant interpretation guidelines (Richards et al. 2015 PMID: 25741868, with internal and published modifications).